The following is an entry in ClinVar:

NM_177438.3(DICER1):c.994T>C (p.Tyr332His)

Gene: DICER1 (dicer 1, ribonuclease III; minus strand). Cytogenetic location: 14q32.13.
Variant type: single nucleotide variant.
Coding change: c.994T>C on transcript NM_177438.3 (MANE Select); coding-DNA position 994, T replaced by C.
Protein change: p.Tyr332His; replaces tyrosine 332 with histidine.
Molecular consequence: missense variant. On other transcripts: 5 prime UTR variant (1), non-coding transcript variant (6).
Genome position (GRCh38, 1-based): chr14:95,124,578, A>G on the plus strand (T>C on the coding strand, the complement: DICER1 is on the minus strand). VCF-style: chr14-95124578-A-G. GRCh37 (hg19) VCF-style: chr14-95590915-A-G.
Other names: c.994T>C, p.Tyr332His (NM_001195573.1, NM_001271282.3, NM_001291628.2 and 14 more transcripts); c.589T>C, p.Tyr197His (NM_001395690.1, NM_001395696.1, NM_001395698.1 and 3 more transcripts); c.427T>C, p.Tyr143His (NM_001395691.1); c.-575T>C (NM_001395697.1); c.712T>C, p.Tyr238His (NM_001395686.1); short protein forms Y143H, Y197H, Y238H, Y332H.
Identifiers: ClinVar variation 4869749 (VCV004869749.1).

ClinVar aggregate classification (germline): Uncertain significance (1 of 4 stars; one submission).

Conditions:
Hereditary cancer-predisposing syndrome. Also called: Neoplastic Syndromes, Hereditary; Tumor predisposition; Hereditary Cancer Syndrome; Hereditary neoplastic syndrome. Identifiers: Orphanet 140162, MedGen C0027672, MeSH D009386, MONDO:0015356.

Submission:

Ambry Genetics
Classification: Uncertain significance for Hereditary cancer-predisposing syndrome. Last evaluated: 2026-03-18. Review status: criteria provided, single submitter. Criteria: Ambry Variant Classification Scheme 2023. Collection method: clinical testing. Allele origin: germline.
Comment: The p.Y332H variant (also known as c.994T>C), located in coding exon 7 of the DICER1 gene, results from a T to C substitution at nucleotide position 994. The tyrosine at codon 332 is replaced by histidine, an amino acid with similar properties. This amino acid position is conserved. In addition, this alteration is predicted to be tolerated by in silico analysis. Based on the available evidence, the clinical significance of this variant remains unclear.